The following is an entry in ClinVar:

NM_001130144.3(LTBP3):c.2728G>A (p.Val910Met)

Gene: LTBP3 (latent transforming growth factor beta binding protein 3; minus strand). Cytogenetic location: 11q13.1.
Variant type: single nucleotide variant.
Coding change: c.2728G>A on transcript NM_001130144.3 (MANE Select); coding-DNA position 2728, G replaced by A.
Protein change: p.Val910Met; replaces valine 910 with methionine.
Molecular consequence: missense variant.
Genome position (GRCh38, 1-based): chr11:65,541,291, C>T on the plus strand (G>A on the coding strand, the complement: LTBP3 is on the minus strand). VCF-style: chr11-65541291-C-T. GRCh37 (hg19) VCF-style: chr11-65308762-C-T.
Other names: c.2377G>A, p.Val793Met (NM_001164266.1); c.2728G>A, p.Val910Met (NM_021070.4); c.2728G>A (NM_001130144.2); short protein forms V910M, V793M.
Identifiers: ClinVar variation 1516901 (VCV001516901.7), dbSNP rs761462890, ClinGen allele CA6100489.
Genomic context (GRCh38, chr11:65,541,291, plus strand): 5'-CGCAGAACACTGTGTCATCGAAGTTCAGGTAGCACTCCTTCTTGTGGTGGGGCTGCTCCA[C>T]CTCTGAGGGGCAGACGGCAGCTCAGGGTTGTGCACAGACCCCCCTTGGCCCTGTCCACCC-3'
Protein context (NP_001123616.1, residues 900-920): PTQDQHGCEE[Val910Met]EQPHHKKECY

ClinVar aggregate classification (germline): Uncertain significance. Review status: criteria provided, multiple submitters, no conflicts (2 of 4 stars). 2 submissions from 2 submitters: Uncertain significance (2). Last evaluated 2025-09-09.

Conditions:
Inborn genetic diseases. Identifiers: MedGen C0950123, MeSH D030342.
Brachyolmia-amelogenesis imperfecta syndrome. Also called: PLATYSPONDYLY WITH AMELOGENESIS IMPERFECTA; Tooth agenesis, selective, 6; Dental anomalies and short stature. Identifiers: Orphanet 2899, MedGen C1832594, MONDO:0011018, OMIM 601216. Disease mechanism: loss of function.

Allele frequency attached by ClinVar (database versions not stated): ExAC 0.00001; gnomAD 0.00001; TOPMed 0.00001; gnomAD exomes 0.00002.

Submissions (2):

Ambry Genetics
Classification: Uncertain significance for Inborn genetic diseases. Last evaluated: 2025-09-09. Review status: criteria provided, single submitter. Criteria: Ambry Variant Classification Scheme 2023. Collection method: clinical testing. Allele origin: germline.

Labcorp Genetics (formerly Invitae), Labcorp
Classification: Uncertain significance for Brachyolmia-amelogenesis imperfecta syndrome. Last evaluated: 2024-08-21. Review status: criteria provided, single submitter. Criteria: Invitae Variant Classification Sherloc (09022015). Collection method: clinical testing. Allele origin: germline.
Comment: This sequence change replaces valine, which is neutral and non-polar, with methionine, which is neutral and non-polar, at codon 910 of the LTBP3 protein (p.Val910Met). This variant is present in population databases (rs761462890, gnomAD 0.01%). This variant has not been reported in the literature in individuals affected with LTBP3-related conditions. ClinVar contains an entry for this variant (Variation ID: 1516901). An algorithm developed to predict the effect of missense changes on protein structure and function (PolyPhen-2) suggests that this variant is likely to be tolerated. In summary, the available evidence is currently insufficient to determine the role of this variant in disease. Therefore, it has been classified as a Variant of Uncertain Significance.